The following is an entry in ClinVar:

ClinVar aggregate classification (germline): Uncertain significance. Review status: criteria provided, multiple submitters, no conflicts (2 of 4 stars). 2 submissions from 2 submitters: Uncertain significance (2). Last evaluated 2022-03-07.

Conditions:
Hereditary cancer-predisposing syndrome. Also called: Tumor predisposition; Neoplastic Syndromes, Hereditary; Hereditary Cancer Syndrome; Hereditary neoplastic syndrome. Identifiers: Orphanet 140162, MedGen C0027672, MeSH D009386, MONDO:0015356.
Tuberous sclerosis 2 (TSC2). Identifiers: Orphanet 805, MedGen C1860707, MONDO:0013199, OMIM 613254.

Allele frequency attached by ClinVar (database versions not stated): gnomAD exomes below 0.00001.
gnomAD v4.1: 2 of 1,614,124 alleles (0.00012%); highest among the groups gnomAD compares: East Asian, 0.0022%; no homozygotes.

Submissions (2):

Labcorp Genetics (formerly Invitae), Labcorp
Classification: Uncertain significance for Tuberous sclerosis 2. Last evaluated: 2022-03-07. Review status: criteria provided, single submitter. Criteria: Invitae Variant Classification Sherloc (09022015). Collection method: clinical testing. Allele origin: germline.
Comment: This variant has not been reported in the literature in individuals affected with TSC2-related conditions. In summary, the available evidence is currently insufficient to determine the role of this variant in disease. Therefore, it has been classified as a Variant of Uncertain Significance. Advanced modeling of protein sequence and biophysical properties (such as structural, functional, and spatial information, amino acid conservation, physicochemical variation, residue mobility, and thermodynamic stability) performed at Invitae indicates that this missense variant is not expected to disrupt TSC2 protein function. ClinVar contains an entry for this variant (Variation ID: 486684). This variant is not present in population databases (gnomAD no frequency). This sequence change replaces tyrosine, which is neutral and polar, with cysteine, which is neutral and slightly polar, at codon 194 of the TSC2 protein (p.Tyr194Cys).

Ambry Genetics
Classification: Uncertain significance for Hereditary cancer-predisposing syndrome. Last evaluated: 2022-02-02. Review status: criteria provided, single submitter. Criteria: Ambry Variant Classification Scheme 2023. Collection method: clinical testing. Allele origin: germline.
Comment: The p.Y194C variant (also known as c.581A>G), located in coding exon 5 of the TSC2 gene, results from an A to G substitution at nucleotide position 581. The tyrosine at codon 194 is replaced by cysteine, an amino acid with highly dissimilar properties. This amino acid position is not well conserved in available vertebrate species. In addition, the in silico prediction for this alteration is inconclusive. Since supporting evidence is limited at this time, the clinical significance of this alteration remains unclear.

NM_000548.5(TSC2):c.581A>G (p.Tyr194Cys)

Gene: TSC2 (TSC complex subunit 2; plus strand). Cytogenetic location: 16p13.3.
Variant type: single nucleotide variant.
Coding change: c.581A>G on transcript NM_000548.5 (MANE Select); coding-DNA position 581, A replaced by G.
Protein change: p.Tyr194Cys; replaces tyrosine 194 with cysteine.
Molecular consequence: missense variant. On other transcripts: intron variant (1).
Genome position (GRCh38, 1-based): chr16:2,055,501, A>G. VCF-style: chr16-2055501-A-G. GRCh37 (hg19) VCF-style: chr16-2105502-A-G.
Other names: c.581A>G, p.Tyr194Cys (NM_001077183.3, NM_001114382.3, NM_001363528.2 and 3 more transcripts); c.470A>G, p.Tyr157Cys (NM_001318827.2); c.434A>G, p.Tyr145Cys (NM_001318829.2); c.614A>G, p.Tyr205Cys (NM_001318832.2); c.-1-695A>G (NM_001318831.2); short protein forms Y194C, Y145C, Y157C, Y205C.
Identifiers: ClinVar variation 486684 (VCV000486684.10), dbSNP rs1555498219, ClinGen allele CA394309783.